The following is an entry in ClinVar:

NM_017947.4(MOCOS):c.-5G>A

Gene: MOCOS (molybdenum cofactor sulfurase; plus strand). Cytogenetic location: 18q12.2.
Variant type: single nucleotide variant.
Coding change: c.-5G>A on transcript NM_017947.4 (MANE Select); 5 bases upstream of the start codon, G replaced by A.
Molecular consequence: 5 prime UTR variant.
Genome position (GRCh38, 1-based): chr18:36,187,535, G>A. VCF-style: chr18-36187535-G-A. GRCh37 (hg19) VCF-style: chr18-33767498-G-A.
Other names: c.-5G>A (NM_017947.2).
Identifiers: ClinVar variation 1296803 (VCV001296803.6), dbSNP rs117090508, ClinGen allele CA8940296.

ClinVar aggregate classification (germline): Benign. Review status: criteria provided, multiple submitters, no conflicts (2 of 4 stars). 4 submissions from 4 submitters: Benign (3). 1 of the submissions does not count toward it. Last evaluated 2022-03-09.

Conditions:
MOCOS-related disorder. Also called: MOCOS-related condition.

Allele frequency attached by ClinVar (database versions not stated): gnomAD exomes 0.07608 and 0.07621; ExAC 0.20475; gnomAD 0.05179 and 0.05338; 1000 Genomes Project 0.05491; ESP Exome Variant Server 0.04076; 1000 Genomes Project 30x 0.05184; TOPMed 0.05087.
gnomAD v4.1: 90,266 of 1,235,088 alleles (7.3%); highest among the groups gnomAD compares: East Asian, 14%; 3,643 homozygotes.

Submissions (4):

Mayo Clinic Laboratories, Mayo Clinic
Classification: Benign. Last evaluated: 2022-03-09. Review status: criteria provided, single submitter. Criteria: ACMG Guidelines, 2015. Collection method: clinical testing. Allele origin: germline. Observed: 21 variant alleles.

GeneDx
Classification: Benign. Last evaluated: 2018-11-12. Review status: criteria provided, single submitter. Criteria: GeneDx Variant Classification Process June 2021. Collection method: clinical testing. Allele origin: germline. Affected: yes.

Breakthrough Genomics
Classification: Benign. Review status: criteria provided, single submitter. Criteria: ACMG Guidelines, 2015. Collection method: not provided. Allele origin: germline. Inheritance: Autosomal recessive inheritance. Affected: yes.

PreventionGenetics, part of Exact Sciences
Classification: Benign for MOCOS-related condition. Last evaluated: 2019-12-05. Review status: no assertion criteria provided. Collection method: clinical testing. Allele origin: germline. Not counted in ClinVar's aggregate classification.
Comment: This variant is classified as benign based on ACMG/AMP sequence variant interpretation guidelines (Richards et al. 2015 PMID: 25741868, with internal and published modifications).